The following is an entry in ClinVar:

ClinVar aggregate classification (germline): Uncertain significance (1 of 4 stars; one submission).

Conditions:
Hereditary breast ovarian cancer syndrome. Also called: Hereditary breast and ovarian cancer syndrome (HBOC); Hereditary breast and ovarian cancer; Breast and ovarian cancer; Hereditary breast and/or ovarian cancer syndrome; BRCA1- and BRCA2-Associated Hereditary Breast and Ovarian Cancer; Hereditary breast and ovarian cancer syndrome. Identifiers: Orphanet 145, MedGen C0677776, MeSH D061325, MONDO:0003582. Disease mechanism: loss of function.

Submission:

Labcorp Genetics (formerly Invitae), Labcorp
Classification: Uncertain significance for Hereditary breast ovarian cancer syndrome. Last evaluated: 2025-05-18. Review status: criteria provided, single submitter. Criteria: Invitae Variant Classification Sherloc (09022015). Collection method: clinical testing. Allele origin: germline.
Comment: This sequence change replaces aspartic acid, which is acidic and polar, with glycine, which is neutral and non-polar, at codon 1573 of the BRCA1 protein (p.Asp1573Gly). This variant is not present in population databases (gnomAD no frequency). This variant has not been reported in the literature in individuals affected with BRCA1-related conditions. Invitae Evidence Modeling of protein sequence and biophysical properties (such as structural, functional, and spatial information, amino acid conservation, physicochemical variation, residue mobility, and thermodynamic stability) indicates that this missense variant is not expected to disrupt BRCA1 protein function with a negative predictive value of 95%. In summary, the available evidence is currently insufficient to determine the role of this variant in disease. Therefore, it has been classified as a Variant of Uncertain Significance.

NM_007294.4(BRCA1):c.4718A>G (p.Asp1573Gly)

Gene: BRCA1 (BRCA1 DNA repair associated; minus strand). Cytogenetic location: 17q21.31.
Variant type: single nucleotide variant.
Coding change: c.4718A>G on transcript NM_007294.4 (MANE Select); coding-DNA position 4718, A replaced by G.
Protein change: p.Asp1573Gly; replaces aspartic acid 1573 with glycine.
Molecular consequence: missense variant. On other transcripts: intron variant (1).
Genome position (GRCh38, 1-based): chr17:43,071,196, T>C on the plus strand (A>G on the coding strand, the complement: BRCA1 is on the minus strand). VCF-style: chr17-43071196-T-C. GRCh37 (hg19) VCF-style: chr17-41223213-T-C.
Other names: c.4454A>G, p.Asp1485Gly (NM_001407926.1, NM_001407920.1, NM_001407921.1 and 4 more transcripts); c.4451A>G, p.Asp1484Gly (NM_001407927.1, NM_001407928.1, NM_001407929.1 and 4 more transcripts); c.4448A>G, p.Asp1483Gly (NM_001407934.1, NM_001407935.1, NM_001407936.1); c.4595A>G, p.Asp1532Gly (NM_001407937.1, NM_001407938.1, NM_001407664.1 and 6 more transcripts); c.4592A>G, p.Asp1531Gly (NM_001407939.1, NM_001407940.1, NM_001407670.1 and 11 more transcripts); c.4589A>G, p.Asp1530Gly (NM_001407941.1, NM_001407681.1, NM_001407682.1 and 6 more transcripts); c.4577A>G, p.Asp1526Gly (NM_001407942.1, NM_007297.4, NM_001407692.1 and 13 more transcripts); c.4574A>G, p.Asp1525Gly (NM_001407943.1, NM_001407944.1, NM_001407945.1 and 21 more transcripts); and 71 more; short protein forms D1404G, D1419G, D1444G, D1445G, D1446G, D1460G, D1461G, D1462G.
Identifiers: ClinVar variation 4800825 (VCV004800825.1).